The following is an entry in ClinVar:

NM_001044.5(SLC6A3):c.1269+5G>A

Gene: SLC6A3 (solute carrier family 6 member 3). Cytogenetic location: 5p15.33.
Variant type: single nucleotide variant.
Coding change: c.1269+5G>A on transcript NM_001044.5 (MANE Select); 5 bases into the intron after coding-DNA position 1269, G replaced by A.
Molecular consequence: intron variant.
Genome position (GRCh38, 1-based): chr5:1,411,238, C>T on the plus strand (G>A on the coding strand, the complement: SLC6A3 is on the minus strand). VCF-style: chr5-1411238-C-T. GRCh37 (hg19) VCF-style: chr5-1411353-C-T.
Identifiers: ClinVar variation 1357608 (VCV001357608.8), dbSNP rs2126343796, ClinGen allele CA2573138580.

ClinVar aggregate classification (germline): Uncertain significance (1 of 4 stars; one submission).

Conditions:
Parkinsonism-dystonia, infantile. Identifiers: Orphanet 238455, MedGen C2751067, MONDO:0013150.

Submission:

Labcorp Genetics (formerly Invitae), Labcorp
Classification: Uncertain significance for Parkinsonism-dystonia, infantile. Last evaluated: 2021-03-26. Review status: criteria provided, single submitter. Criteria: Invitae Variant Classification Sherloc (09022015). Collection method: clinical testing. Allele origin: germline.
Comment: Nucleotide substitutions within the consensus splice site are a relatively common cause of aberrant splicing (PMID: 17576681, 9536098). Algorithms developed to predict the effect of sequence changes on RNA splicing suggest that this variant may disrupt the consensus splice site, but this prediction has not been confirmed by published transcriptional studies. In summary, the available evidence is currently insufficient to determine the role of this variant in disease. Therefore, it has been classified as a Variant of Uncertain Significance. This variant has not been reported in the literature in individuals with SLC6A3-related conditions. This variant is not present in population databases (ExAC no frequency). This sequence change falls in intron 9 of the SLC6A3 gene. It does not directly change the encoded amino acid sequence of the SLC6A3 protein. It affects a nucleotide within the consensus splice site of the intron.

Literature cited by the submitters: PubMed 17576681; PubMed 9536098.